The following is an entry in ClinVar:

ClinVar aggregate classification (germline): Conflicting classifications of pathogenicity. Review status: criteria provided, conflicting classifications (1 of 4 stars). 3 submissions from 3 submitters: Uncertain significance (1); Likely benign (2). Last evaluated 2025-12-02.

Conditions:
KIF23-related disorder. Also called: KIF23-related condition.

Allele frequency attached by ClinVar (database versions not stated): TOPMed 0.00035; gnomAD exomes 0.00007; ExAC 0.00011; 1000 Genomes Project 30x 0.00016; 1000 Genomes Project 0.00020; gnomAD 0.00026.
gnomAD v4.1: 150 of 1,614,248 alleles (0.0093%); highest among the groups gnomAD compares: Admixed American, 0.15%; no homozygotes.

Submissions (3):

Labcorp Genetics (formerly Invitae), Labcorp
Classification: Likely benign. Last evaluated: 2025-12-02. Review status: criteria provided, single submitter. Criteria: Invitae Variant Classification Sherloc (09022015). Collection method: clinical testing. Allele origin: germline.

PreventionGenetics, part of Exact Sciences
Classification: Likely benign for KIF23-related condition. Last evaluated: 2025-10-24. Review status: criteria provided, single submitter. Criteria: ACMG Guidelines, 2015. Collection method: clinical testing. Allele origin: germline.
Comment: This variant is classified as likely benign based on ACMG/AMP sequence variant interpretation guidelines (Richards et al. 2015 PMID: 25741868, with internal and published modifications).

Mayo Clinic Laboratories, Mayo Clinic
Classification: Uncertain significance. Last evaluated: 2025-07-11. Review status: criteria provided, single submitter. Criteria: ACMG Guidelines, 2015. Collection method: clinical testing. Allele origin: germline. Observed: 2 variant alleles.
Comment: BP4, PM2_moderate

NM_001367805.3(KIF23):c.2297A>G (p.Glu766Gly)

Gene: KIF23 (kinesin family member 23; plus strand). Cytogenetic location: 15q23.
Variant type: single nucleotide variant.
Coding change: c.2297A>G on transcript NM_001367805.3 (MANE Select); coding-DNA position 2297, A replaced by G.
Protein change: p.Glu766Gly; replaces glutamic acid 766 with glycine.
Molecular consequence: missense variant. On other transcripts: non-coding transcript variant (1), intron variant (1).
Genome position (GRCh38, 1-based): chr15:69,440,955, A>G. VCF-style: chr15-69440955-A-G. GRCh37 (hg19) VCF-style: chr15-69733294-A-G.
Other names: p.Glu752Gly; c.2255A>G (NM_138555.3); c.1925A>G, p.Glu642Gly (NM_001281301.2); c.2255A>G, p.Glu752Gly (NM_001367804.2, NM_138555.4); c.2067+468A>G (NM_004856.7); short protein forms E642G, E752G, E766G.
Identifiers: ClinVar variation 2066007 (VCV002066007.7), dbSNP rs560614661, ClinGen allele CA7635368.